The following is an entry in ClinVar:

ClinVar aggregate classification (germline): Uncertain significance (1 of 4 stars; one submission).

Conditions:
Familial melanoma. Also called: Hereditary melanoma; Hereditary cutaneous melanoma. Identifiers: Orphanet 618, MedGen C1512419, MONDO:0018961.

Submission:

Labcorp Genetics (formerly Invitae), Labcorp
Classification: Uncertain significance for Familial melanoma. Last evaluated: 2025-11-05. Review status: criteria provided, single submitter. Criteria: Invitae Variant Classification Sherloc (09022015). Collection method: clinical testing. Allele origin: germline.
Comment: This sequence change creates a premature translational stop signal (p.Asp228*) in the CDK4 gene. It is expected to result in an absent or disrupted protein product. However, the current clinical and genetic evidence is not sufficient to establish whether loss-of-function variants in CDK4 cause disease. This variant is not present in population databases (gnomAD no frequency). This variant has not been reported in the literature in individuals affected with CDK4-related conditions. In summary, the available evidence is currently insufficient to determine the role of this variant in disease. Therefore, it has been classified as a Variant of Uncertain Significance.

NM_000075.4(CDK4):c.681dup (p.Asp228Ter)

Genes: CDK4 (cyclin dependent kinase 4; minus strand), TSPAN31 (tetraspanin 31; plus strand). Cytogenetic location: 12q14.1.
Variant type: Duplication.
Coding change: c.681dup on transcript NM_000075.4 (MANE Select); coding-DNA position 681, one base duplicated (T; older notation c.681dupT).
Protein change: p.Asp228Ter; replaces aspartic acid 228 with a stop codon.
Molecular consequence: nonsense. On other transcripts: 3 prime UTR variant (3).
Genome position (GRCh38, 1-based): chr12:57,749,456, A duplicated on the plus strand (T on the coding strand, the reverse complement: CDK4 is on the minus strand); the first of 3 consecutive A bases (chr12:57,749,456-57,749,458); duplicating any one gives the same sequence. VCF-style (leftmost placement, unchanged base first): chr12-57749455-C-CA. GRCh37 (hg19) VCF-style: chr12-58143238-C-CA.
Other names: c.*2168dup (NM_001330168.2, NM_001330169.2, NM_005981.5); short protein forms D228*.
Identifiers: ClinVar variation 4711009 (VCV004711009.1).